The following is an entry in ClinVar:

NM_153485.3(NUP155):c.1877-5A>G

Gene: NUP155 (nucleoporin 155; minus strand). Cytogenetic location: 5p13.2.
Variant type: single nucleotide variant.
Coding change: c.1877-5A>G on transcript NM_153485.3 (MANE Select); 5 bases into the intron before coding-DNA position 1877, A replaced by G.
Molecular consequence: intron variant.
Genome position (GRCh38, 1-based): chr5:37,327,781, T>C on the plus strand (A>G on the coding strand, the complement: NUP155 is on the minus strand). VCF-style: chr5-37327781-T-C. GRCh37 (hg19) VCF-style: chr5-37327883-T-C.
Other names: c.1877-5A>G (NM_001278312.2, NM_153485.2); c.1700-5A>G (NM_004298.4).
Identifiers: ClinVar variation 4970127 (VCV004970127.2).
Genomic context (GRCh38, chr5:37,327,781, plus strand): 5'-AGTTGCTGGGTTTCCCAGAGCACACACTGGAGTTGACATGGCAGGAGGCTGTATACCTTG[T>C]ACACACATAAGAAAAACAAATCTCTTAATCTTAATCTTAGAACCCATAAATCTCTTAATC-3'

ClinVar aggregate classification (germline): Likely benign. Review status: criteria provided, multiple submitters, no conflicts (2 of 4 stars). 2 submissions from 2 submitters: Likely benign (2). Last evaluated 2026-06-18.

Conditions:
NUP155-related disorder. Also called: NUP155-related condition.

gnomAD v4.1: 78 of 1,614,044 alleles (0.0048%); highest among the groups gnomAD compares: African/African-American, 0.087%; no homozygotes.

Submissions (2):

PreventionGenetics, part of Exact Sciences
Classification: Likely benign for NUP155-related condition. Last evaluated: 2026-06-18. Review status: criteria provided, single submitter. Criteria: ACMG Guidelines, 2015. Collection method: clinical testing. Allele origin: germline.
Comment: This variant is classified as likely benign based on ACMG/AMP sequence variant interpretation guidelines (Richards et al. 2015 PMID: 25741868, with internal and published modifications).

Blueprint Genetics
Classification: Likely benign. Last evaluated: 2019-09-28. Review status: criteria provided, single submitter. Criteria: ACMG Guidelines, 2015. Collection method: clinical testing. Allele origin: germline.